The following is an entry in ClinVar:

ClinVar aggregate classification (germline): Pathogenic (1 of 4 stars; one submission).

Conditions:
Mucopolysaccharidosis, MPS-II (MPS2). Also called: Hunter Syndrome; IDURONATE 2-SULFATASE DEFICIENCY; Mucopolysaccharidosis Type II; Mucopolysaccharidosis type 2; Attenuated MPS (subtype; formerly known as mild MPS II); Severe MPS II. Identifiers: Orphanet 580, Orphanet 79388, MedGen C0026705, MONDO:0010674, OMIM 309900.

Submission:

Laboratory of Diagnosis and Therapy of Lysosomal Disorders, University of Padova
Classification: Pathogenic for Mucopolysaccharidosis, MPS-II. Last evaluated: 2024-06-07. Review status: criteria provided, single submitter. Criteria: ACMG Guidelines, 2015. Collection method: literature only. Allele origin: germline. Affected: yes. Observed: 1 variant allele.
Comment: Null variant (PVS1_Strong), Absent from controls (or at low frequency) in gnomAD database (PM2_Moderate), Patient’s phenotype or family history highly specific for the disease (PP4_Strong)

Classification method: ACMG Guidelines [PMID:25741868] with modifications

Literature cited by the submitters: PubMed 9660053.

NM_000202.8(IDS):c.1096_1115del (p.Arg366fs)

Genes: IDS (iduronate 2-sulfatase; minus strand), LOC106050102 (IDS recombination region; plus strand). Cytogenetic location: Xq28.
Variant type: Deletion.
Coding change: c.1096_1115del on transcript NM_000202.8 (MANE Select); coding-DNA positions 1096 to 1115, 20 bases deleted (AGGACGGCTTCACTTCCGGA).
Protein change: p.Arg366fs; shifts the reading frame from arginine 366.
Molecular consequence: frameshift variant.
Genome position (GRCh38, 1-based): chrX:149,486,990-149,487,009, TCCGGAAGTGAAGCCGTCCT deleted on the plus strand (AGGACGGCTTCACTTCCGGA on the coding strand, the reverse complement: IDS is on the minus strand); deleting any 20 consecutive bases within chrX:149,486,990-149,487,012 gives the same sequence; the c. name uses the placement nearest the transcript's 3' end. VCF-style (leftmost placement, unchanged base first): chrX-149486989-CTCCGGAAGTGAAGCCGTCCT-C. GRCh37 (hg19) VCF-style: chrX-148568520-CTCCGGAAGTGAAGCCGTCCT-C.
Other names: c.826_845del, p.Arg276fs (NM_001166550.4); short protein forms R276fs, R366fs.
Identifiers: ClinVar variation 3255965 (VCV003255965.2).